The following is an entry in ClinVar:

ClinVar aggregate classification (germline): Likely benign (1 of 4 stars; one submission).

Allele frequency attached by ClinVar (database versions not stated): gnomAD exomes 0.00079; gnomAD 0.00845 and 0.00899; TOPMed 0.00892; 1000 Genomes Project 0.01018; 1000 Genomes Project 30x 0.01046.
gnomAD v4.1: 2,359 of 1,434,202 alleles (0.16%); highest among the groups gnomAD compares: African/African-American, 2.9%; 30 homozygotes.

Submission:

GeneDx
Classification: Likely benign. Last evaluated: 2018-06-14. Review status: criteria provided, single submitter. Criteria: GeneDx Variant Classification (06012015). Collection method: clinical testing. Allele origin: germline. Affected: yes.
Comment: This variant is considered likely benign or benign based on one or more of the following criteria: it is a conservative change, it occurs at a poorly conserved position in the protein, it is predicted to be benign by multiple in silico algorithms, and/or has population frequency not consistent with disease.

NM_003978.5(PSTPIP1):c.36+147G>T

Gene: PSTPIP1 (proline-serine-threonine phosphatase interacting protein 1; plus strand). Cytogenetic location: 15q24.3.
Variant type: single nucleotide variant.
Coding change: c.36+147G>T on transcript NM_003978.5 (MANE Select); 147 bases into the intron after coding-DNA position 36, G replaced by T.
Molecular consequence: intron variant.
Genome position (GRCh38, 1-based): chr15:76,995,756, G>T. VCF-style: chr15-76995756-G-T. GRCh37 (hg19) VCF-style: chr15-77288097-G-T.
Other names: c.231+147G>T (NM_001321137.1); c.-211+147G>T (NM_001321136.2); c.36+147G>T (NM_001321135.2).
Identifiers: ClinVar variation 674542 (VCV000674542.1), dbSNP rs112875317, ClinGen allele CA273720006.
Genomic context (GRCh38, chr15:76,995,756, plus strand): 5'-GAGAGGGGAGCTTTCTCATAAAATAGTGGTTGATTCTTGGTCTTAATTGTCATGGAGGTG[G>T]CCCAGGCCCCCACCCCTTCTGGACTGGAACGCAAGTGGACTCCGTGAATGAGCGTCCTCC-3'